The following is an entry in ClinVar:

NM_006922.4(SCN3A):c.4432-2_4434del

Gene: SCN3A (sodium voltage-gated channel alpha subunit 3; minus strand). Cytogenetic location: 2q24.3.
Variant type: Deletion.
Coding change: c.4432-2_4434del on transcript NM_006922.4 (MANE Select); the canonical splice acceptor site of the intron before coding-DNA position 4432 through coding-DNA position 4434, 5 bases deleted (ACTTT; older notation c.4432-2_4434delACTTT).
Molecular consequence: splice acceptor variant.
Genome position (GRCh38, 1-based): chr2:165,094,476-165,094,480, AAAGT deleted on the plus strand (ACTTT on the coding strand, the reverse complement: SCN3A is on the minus strand); deleting any 5 consecutive bases within chr2:165,094,476-165,094,484 gives the same sequence; the c. name uses the placement nearest the transcript's 3' end. VCF-style (leftmost placement, unchanged base first): chr2-165094475-CAAAGT-C. GRCh37 (hg19) VCF-style: chr2-165950985-CAAAGT-C.
Other names: c.4285-2_4287del (NM_001081676.2, NM_001081677.2).
Identifiers: ClinVar variation 3602454 (VCV003602454.1).
Genomic context (GRCh38, chr2:165,094,475, plus strand): 5'-GTTTCTTCATTGCATTGTAATATTTTTTCTGTTCCTCTGTCATAAAGATGTCTTGACCTC[CAAAGT>C]AAAGACATAGTATAAAACTGGTTACAATTCTGTGTTCCAATAGTACTTTCACAAAAAATA-3'

ClinVar aggregate classification (germline): Uncertain significance (1 of 4 stars; one submission).

Submission:

GeneDx
Classification: Uncertain significance. Last evaluated: 2024-07-29. Review status: criteria provided, single submitter. Criteria: GeneDx Variant Classification Process June 2021. Collection method: clinical testing. Allele origin: germline. Affected: yes.
Comment: Not observed at significant frequency in large population cohorts (gnomAD); Has not been previously published as pathogenic or benign to our knowledge; In silico analysis is inconclusive as to whether the variant alters gene splicing. In the absence of RNA/functional studies, the actual effect of this sequence change is unknown.